The following is an entry in ClinVar:

NM_000059.4(BRCA2):c.10057T>A (p.Leu3353Met)

Gene: BRCA2 (BRCA2 DNA repair associated; plus strand). Cytogenetic location: 13q13.1.
Variant type: single nucleotide variant.
Coding change: c.10057T>A on transcript NM_000059.4 (MANE Select); coding-DNA position 10057, T replaced by A.
Protein change: p.Leu3353Met; replaces leucine 3353 with methionine.
Molecular consequence: missense variant.
Genome position (GRCh38, 1-based): chr13:32,398,570, T>A. VCF-style: chr13-32398570-T-A. GRCh37 (hg19) VCF-style: chr13-32972707-T-A.
Other names: short protein forms L3353M.
Identifiers: ClinVar variation 818251 (VCV000818251.4), dbSNP rs760122577, ClinGen allele CA387767853.

ClinVar aggregate classification (germline): Uncertain significance (1 of 4 stars; one submission).

Conditions:
Hereditary cancer-predisposing syndrome. Also called: Tumor predisposition; Hereditary neoplastic syndrome; Neoplastic Syndromes, Hereditary; Hereditary Cancer Syndrome. Identifiers: Orphanet 140162, MedGen C0027672, MeSH D009386, MONDO:0015356.

Submission:

Ambry Genetics
Classification: Uncertain significance for Hereditary cancer-predisposing syndrome. Last evaluated: 2018-09-13. Review status: criteria provided, single submitter. Criteria: Ambry Variant Classification Scheme 2023. Collection method: clinical testing. Allele origin: germline.
Comment: The p.L3353M variant (also known as c.10057T>A), located in coding exon 26 of the BRCA2 gene, results from a T to A substitution at nucleotide position 10057. The leucine at codon 3353 is replaced by methionine, an amino acid with highly similar properties. This amino acid position is not well conserved in available vertebrate species. In addition, this alteration is predicted to be tolerated by in silico analysis. Since supporting evidence is limited at this time, the clinical significance of this alteration remains unclear.